The following is an entry in ClinVar:

ClinVar aggregate classification (germline): Likely pathogenic (1 of 4 stars; one submission).

Conditions:
X-linked Alport syndrome (ATS1). Also called: NEPHROPATHY AND DEAFNESS, X-LINKED; COL4A5-Related Nephropathy. Identifiers: Orphanet 63, Orphanet 88917, MedGen C4746986, MONDO:0010520, OMIM 301050.

Submission:

3billion
Classification: Likely pathogenic for X-linked Alport syndrome. Last evaluated: 2025-05-29. Review status: criteria provided, single submitter. Criteria: ACMG Guidelines, 2015. Collection method: clinical testing. Allele origin: germline. Affected: yes.
Comment: The variant is not observed in the gnomAD v4.1.0 dataset. Predicted Consequence/Location: Stop-gained (nonsense): predicted to result in a loss or disruption of normal protein function through nonsense-mediated decay (NMD) or protein truncation. Multiple pathogenic variants are reported downstream of the variant. Therefore, this variant is classified as Likely pathogenic according to the recommendation of ACMG/AMP guideline.

NM_033380.3(COL4A5):c.3871G>T (p.Gly1291Ter)

Gene: COL4A5 (collagen type IV alpha 5 chain; plus strand). Cytogenetic location: Xq22.3.
Variant type: single nucleotide variant.
Coding change: c.3871G>T on transcript NM_033380.3 (MANE Select); coding-DNA position 3871, G replaced by T.
Protein change: p.Gly1291Ter; replaces glycine 1291 with a stop codon.
Molecular consequence: nonsense.
Genome position (GRCh38, 1-based): chrX:108,677,562, G>T. VCF-style: chrX-108677562-G-T. GRCh37 (hg19) VCF-style: chrX-107920792-G-T.
Other names: c.3853G>T, p.Gly1285Ter (NM_000495.5); short protein forms G1285*, G1291*.
Identifiers: ClinVar variation 4856286 (VCV004856286.1).